The following is an entry in ClinVar:

ClinVar aggregate classification (germline): Likely pathogenic (1 of 4 stars; one submission).

Conditions:
Congenital anomalies of kidney and urinary tract syndrome with or without hearing loss, abnormal ears, or developmental delay. Also called: Congenital Anomalies of the Kidney and Urinary Tract syndrome with or without Hearing Loss, Abnormal Ears, or Developmental Delay. Identifiers: Orphanet 656130, MedGen C4539968, MONDO:0060549, OMIM 617641.

Submission:

MVZ Medizinische Genetik Mainz
Classification: Likely pathogenic for Congenital anomalies of kidney and urinary tract syndrome with or without hearing loss, abnormal ears, or developmental delay. Last evaluated: 2022-09-08. Review status: criteria provided, single submitter. Criteria: UK Practice Guidelines For Variant Classification V4 01 2020. Collection method: clinical testing. Allele origin: germline. Inheritance: Autosomal dominant inheritance. Affected: yes. Observed: 1 variant allele.
Comment: ACMG Criteria: PVS1, PM2_SUP (ACMG Version 4)

NM_002585.4(PBX1):c.152_155dup (p.Ile53fs)

Gene: PBX1 (PBX homeobox 1; plus strand). Cytogenetic location: 1q23.3.
Variant type: Duplication.
Coding change: c.152_155dup on transcript NM_002585.4 (MANE Select); coding-DNA positions 152 to 155, 4 bases duplicated (TGAC; older notation c.152_155dupTGAC).
Protein change: p.Ile53fs; shifts the reading frame from isoleucine 53.
Molecular consequence: frameshift variant. On other transcripts: 5 prime UTR variant (1).
Genome position (GRCh38, 1-based): chr1:164,559,974-164,559,977, TGAC duplicated. VCF-style (leftmost placement, unchanged base first): chr1-164559973-A-ATGAC. GRCh37 (hg19) VCF-style: chr1-164529210-A-ATGAC.
Other names: c.152_155dup, p.Ile53fs (NM_001204961.2, NM_001204963.2, NM_001353131.2); c.-24_-21dup (NM_001353130.1); short protein forms I53fs.
Identifiers: ClinVar variation 3236777 (VCV003236777.1), dbSNP rs2525299908.